The following is an entry in ClinVar:

NM_001371986.1(UNC80):c.4156C>T (p.His1386Tyr)

Gene: UNC80 (unc-80 subunit of NALCN channel complex; plus strand). Cytogenetic location: 2q34.
Variant type: single nucleotide variant.
Coding change: c.4156C>T on transcript NM_001371986.1 (MANE Select); coding-DNA position 4156, C replaced by T.
Protein change: p.His1386Tyr; replaces histidine 1386 with tyrosine.
Molecular consequence: missense variant.
Genome position (GRCh38, 1-based): chr2:209,888,140, C>T. VCF-style: chr2-209888140-C-T. GRCh37 (hg19) VCF-style: chr2-210752864-C-T.
Other names: c.4162C>T, p.His1388Tyr (NM_032504.2); c.4147C>T, p.His1383Tyr (NM_182587.4); short protein forms H1383Y, H1386Y, H1388Y.
Identifiers: ClinVar variation 1714324 (VCV001714324.5), dbSNP rs2471078227, ClinGen allele CA350749656.

ClinVar aggregate classification (germline): Uncertain significance (1 of 4 stars; one submission).

Allele frequency attached by ClinVar (database versions not stated): gnomAD exomes below 0.00001.
gnomAD v4.1: 1 of 1,551,628 alleles (0.000064%); highest among the groups gnomAD compares: South Asian, 0.0012%; no homozygotes.

Submission:

Labcorp Genetics (formerly Invitae), Labcorp
Classification: Uncertain significance. Last evaluated: 2022-07-30. Review status: criteria provided, single submitter. Criteria: Invitae Variant Classification Sherloc (09022015). Collection method: clinical testing. Allele origin: germline.
Comment: This variant is not present in population databases (gnomAD no frequency). In summary, the available evidence is currently insufficient to determine the role of this variant in disease. Therefore, it has been classified as a Variant of Uncertain Significance. Algorithms developed to predict the effect of missense changes on protein structure and function are either unavailable or do not agree on the potential impact of this missense change (SIFT: "Not Available"; PolyPhen-2: "Possibly Damaging"; Align-GVGD: "Not Available"). This variant has not been reported in the literature in individuals affected with UNC80-related conditions. This sequence change replaces histidine, which is basic and polar, with tyrosine, which is neutral and polar, at codon 1388 of the UNC80 protein (p.His1388Tyr).